The following is an entry in ClinVar:

NM_030653.4(DDX11):c.2606C>T (p.Pro869Leu)

Gene: DDX11 (DEAD/H-box helicase 11; plus strand). Cytogenetic location: 12p11.21.
Variant type: single nucleotide variant.
Coding change: c.2606C>T on transcript NM_030653.4 (MANE Select); coding-DNA position 2606, C replaced by T.
Protein change: p.Pro869Leu; replaces proline 869 with leucine.
Molecular consequence: missense variant. On other transcripts: synonymous variant (6), non-coding transcript variant (4).
Genome position (GRCh38, 1-based): chr12:31,103,646, C>T. VCF-style: chr12-31103646-C-T. GRCh37 (hg19) VCF-style: chr12-31256580-C-T.
Other names: c.2601C>T, p.Pro867= (NM_001257144.2, NM_001413695.1, NM_001413696.1 and 1 more transcripts); c.2528C>T, p.Pro843Leu (NM_001257145.2, NM_001413697.1, NM_001413698.1); c.2606C>T, p.Pro869Leu (NM_001413692.1, NM_001413693.1, NM_001413694.1); c.2523C>T, p.Pro841= (NM_001413699.1); c.2519C>T, p.Pro840Leu (NM_001413700.1); c.2078C>T, p.Pro693Leu (NM_001413702.1, NM_001413703.1); c.1740C>T, p.Pro580= (NM_001413704.1); c.1745C>T, p.Pro582Leu (NM_001413705.1); and 2 more; short protein forms P819L, P843L, P869L, P840L, P582L, P693L, P547L.
Identifiers: ClinVar variation 1707919 (VCV001707919.2), dbSNP rs775299655, ClinGen allele CA6501921.

ClinVar aggregate classification (germline): Uncertain significance (1 of 4 stars; one submission).

Allele frequency attached by ClinVar (database versions not stated): ExAC 0.00001.

Submission:

GeneDx
Classification: Uncertain significance. Last evaluated: 2022-03-29. Review status: criteria provided, single submitter. Criteria: GeneDx Variant Classification Process June 2021. Collection method: clinical testing. Allele origin: germline. Affected: yes.
Comment: Not observed at significant frequency in large population cohorts (gnomAD); In silico analysis supports that this missense variant does not alter protein structure/function; Has not been previously published as pathogenic or benign to our knowledge